The following is an entry in ClinVar:

ClinVar aggregate classification (germline): Likely benign. Review status: reviewed by expert panel (3 of 4 stars). 2 submissions from 2 submitters: Likely benign (1). 1 of the submissions does not count toward it. Last evaluated 2026-01-20.

Conditions:
Open-angle glaucoma. Identifiers: MedGen C0017612, MONDO:0005338, HP:0012108.

Allele frequency attached by ClinVar (database versions not stated): TOPMed 0.00001; ExAC 0.00006; gnomAD exomes 0.00002 and 0.00005; gnomAD 0.00001.
gnomAD v4.1: 26 of 1,614,006 alleles (0.0016%); highest among the groups gnomAD compares: East Asian, 0.053%; no homozygotes.

Submissions (2):

ClinGen Glaucoma Variant Curation Expert Panel
Classification: Likely benign for Open-angle glaucoma. Last evaluated: 2026-01-20. Review status: reviewed by expert panel. Criteria: ClinGen Glaucoma ACMG Specifications V2.0.0 Approved. Collection method: curation. Allele origin: germline. Inheritance: Autosomal dominant inheritance.
Comment: The c.547G>A variant in MYOC is a missense variant predicted to cause substitution of Glycine by Serine at amino acid 183 (p.Gly183Ser). The highest minor allele frequency of this variant was in the East Asian genetic ancestry group of gnomAD (v4.1.0) = 0.0005348 (24 alleles out of 44,880), which did not meet the PM2_Supporting allele frequency threshold (≤ 0.0001) or the BS1 allele frequency threshold (≥ 0.001). The REVEL score = 0.126, which was within the 0.017-0.183 range for BP4_Moderate, suggesting that the variant does not impact MYOC function. There was no functional evidence predicting a damaging or benign impact of this variant on MYOC function. Although probands with primary open angle glaucoma had been reported carrying this variant, PM2_Supporting was not met, therefore PS4 did not apply. In summary, this variant met the criteria to receive a score of -2 and to be classified as likely benign (likely benign classification range -2 to -6, adapted from PMID: 32720330) for primary open angle glaucoma based on the ACMG/AMP criteria met, as specified by the ClinGen Glaucoma VCEP (v2.0.0, 5 Dec 2024): BP4_Moderate

GeneDx
Classification: Uncertain significance. Last evaluated: 2021-01-11. Review status: criteria provided, single submitter. Criteria: GeneDx Variant Classification Process June 2021. Collection method: clinical testing. Allele origin: germline. Affected: yes. Not counted in ClinVar's aggregate classification.
Comment: In silico analysis supports that this missense variant does not alter protein structure/function; Detected in a control sample in a study of primary open-angle glaucoma in the northern Chinese population (Jia et al., 2009); This variant is associated with the following publications: (PMID: 19145250)

NM_000261.2(MYOC):c.547G>A (p.Gly183Ser)

Gene: MYOC (myocilin; minus strand). Cytogenetic location: 1q24.3.
Variant type: single nucleotide variant.
Coding change: c.547G>A on transcript NM_000261.2 (MANE Select); coding-DNA position 547, G replaced by A.
Protein change: p.Gly183Ser; replaces glycine 183 with serine.
Molecular consequence: missense variant.
Genome position (GRCh38, 1-based): chr1:171,652,065, C>T on the plus strand (G>A on the coding strand, the complement: MYOC is on the minus strand). VCF-style: chr1-171652065-C-T. GRCh37 (hg19) VCF-style: chr1-171621205-C-T.
Other names: NM_000261.2:c.547G>A; short protein forms G183S.
Identifiers: ClinVar variation 1313921 (VCV001313921.4), dbSNP rs777142456, ClinGen allele CA1244260.